The following is an entry in ClinVar:

NM_001370298.3(FGD4):c.1759A>G (p.Met587Val)

Gene: FGD4 (FYVE, RhoGEF and PH domain containing 4; plus strand). Cytogenetic location: 12p11.21.
Variant type: single nucleotide variant.
Coding change: c.1759A>G on transcript NM_001370298.3 (MANE Select); coding-DNA position 1759, A replaced by G.
Protein change: p.Met587Val; replaces methionine 587 with valine.
Molecular consequence: missense variant.
Genome position (GRCh38, 1-based): chr12:32,619,707, A>G. VCF-style: chr12-32619707-A-G. GRCh37 (hg19) VCF-style: chr12-32772641-A-G.
Other names: c.1603A>G, p.Met535Val (NM_001304481.2); c.604A>G, p.Met202Val (NM_001304483.2); c.316A>G, p.Met106Val (NM_001304484.2); c.1069A>G, p.Met357Val (NM_001330373.2, NM_001330374.2, NM_001384130.1); c.796A>G, p.Met266Val (NM_001370297.1); c.1759A>G, p.Met587Val (NM_001384126.1); c.1348A>G, p.Met450Val (NM_001384127.1, NM_001384128.1, NM_001385118.1 and 1 more transcripts); short protein forms M450V, M535V, M106V, M202V, M266V, M357V, M587V.
Identifiers: ClinVar variation 245800 (VCV000245800.10), dbSNP rs201186597, ClinGen allele CA6506881.

ClinVar aggregate classification (germline): Uncertain significance. Review status: criteria provided, multiple submitters, no conflicts (2 of 4 stars). 4 submissions from 4 submitters: Uncertain significance (4). Last evaluated 2025-03-25.

Conditions:
Inborn genetic diseases. Identifiers: MedGen C0950123, MeSH D030342.
Charcot-Marie-Tooth disease type 4. Also called: Charcot-Marie-Tooth disease, type IV; Charcot-Marie-Tooth, Type 4. Identifiers: Orphanet 64749, MedGen C4082197, MONDO:0018995.

Allele frequency attached by ClinVar (database versions not stated): gnomAD exomes 0.00008; ExAC 0.00009; gnomAD 0.00012 and 0.00016; TOPMed 0.00021.
gnomAD v4.1: 106 of 1,613,952 alleles (0.0066%); highest among the groups gnomAD compares: Middle Eastern, 0.049%; no homozygotes.

Submissions (4):

Ambry Genetics
Classification: Uncertain significance for Inborn genetic diseases. Last evaluated: 2025-03-25. Review status: criteria provided, single submitter. Criteria: Ambry Variant Classification Scheme 2023. Collection method: clinical testing. Allele origin: germline.

Blueprint Genetics
Classification: Uncertain significance. Last evaluated: 2024-03-01. Review status: criteria provided, single submitter. Criteria: ACMG Guidelines, 2015. Collection method: clinical testing. Allele origin: germline.

Labcorp Genetics (formerly Invitae), Labcorp
Classification: Uncertain significance for Charcot-Marie-Tooth disease type 4. Last evaluated: 2022-10-25. Review status: criteria provided, single submitter. Criteria: Invitae Variant Classification Sherloc (09022015). Collection method: clinical testing. Allele origin: germline.
Comment: This sequence change replaces methionine, which is neutral and non-polar, with valine, which is neutral and non-polar, at codon 450 of the FGD4 protein (p.Met450Val). This variant is present in population databases (rs201186597, gnomAD 0.04%). This variant has not been reported in the literature in individuals affected with FGD4-related conditions. ClinVar contains an entry for this variant (Variation ID: 245800). Advanced modeling of protein sequence and biophysical properties (such as structural, functional, and spatial information, amino acid conservation, physicochemical variation, residue mobility, and thermodynamic stability) performed at Invitae indicates that this missense variant is not expected to disrupt FGD4 protein function. In summary, the available evidence is currently insufficient to determine the role of this variant in disease. Therefore, it has been classified as a Variant of Uncertain Significance.

GeneDx
Classification: Uncertain significance. Last evaluated: 2015-06-08. Review status: criteria provided, single submitter. Criteria: GeneDx Variant Classification (06012015). Collection method: clinical testing. Allele origin: germline. Affected: yes.
Comment: The M450V variant has not been published as pathogenic, nor has it been reported as a benign polymorphism to our knowledge. It was not observed in approximately 6,500 individuals of European and African American ancestry in the NHLBI Exome Sequencing Project, indicating it is not a common benign variant in these populations. The M450V variant is a conservative amino acid substitution, which is not likely to impact secondary protein structure as these residues share similar properties. However, this substitution occurs at a position that is conserved across species, and a missense variants in a nearby residue (R442H) has been reported in the Human Gene Mutation Database in association with Charcot-Marie-Tooth, type 4H (Stenson et al., 2014). In silico analysis is inconsistent in its predictions as to whether or not the variant is damaging to the protein structure/function. Therefore, based on the currently available information, it is unclear whether this variant is a pathogenic or a rare benign variant.